The following is an entry in ClinVar:

NM_022081.6(HPS4):c.2054del (p.Pro685fs)

Gene: HPS4 (HPS4 biogenesis of lysosomal organelles complex 3 subunit 2; minus strand). Cytogenetic location: 22q12.1.
Variant type: Deletion.
Coding change: c.2054del on transcript NM_022081.6 (MANE Select); coding-DNA position 2054, one base deleted (C; older notation c.2054delC).
Protein change: p.Pro685fs; shifts the reading frame from proline 685.
Molecular consequence: frameshift variant. On other transcripts: non-coding transcript variant (8), intron variant (2).
Genome position (GRCh38, 1-based): chr22:26,453,306, G deleted on the plus strand (C on the coding strand, the reverse complement: HPS4 is on the minus strand); the first of 3 consecutive G bases (chr22:26,453,306-26,453,308); deleting any one gives the same sequence. VCF-style (leftmost placement, unchanged base first): chr22-26453305-AG-A. GRCh37 (hg19) VCF-style: chr22-26849271-AG-A.
Other names: c.2054delC (NM_022081.6, NM_001349896.1); c.2054del, p.Pro685fs (NM_001349896.1, NM_001349898.2, NM_001349899.2); c.2108del, p.Pro703fs (NM_001349900.2, NM_001349901.1); c.1812del, p.Ser605fs (NM_001349902.1, NM_001349903.2); c.2039del, p.Pro680fs (NM_152841.2); c.1955+4553del (NM_001349905.1, NM_001349904.2); short protein forms P680fs, P685fs, P703fs, S605fs.
Identifiers: ClinVar variation 1684417 (VCV001684417.5), dbSNP rs2146241760, ClinGen allele CA915940827.

ClinVar aggregate classification (germline): Pathogenic/Likely pathogenic. Review status: criteria provided, multiple submitters, no conflicts (2 of 4 stars). 4 submissions from 4 submitters: Pathogenic (1); Likely pathogenic (2). 1 of the submissions does not count toward it. Last evaluated 2023-06-08.

Conditions:
Hermansky-Pudlak syndrome 4 (HPS4). Identifiers: Orphanet 231500, Orphanet 79430, MedGen C3484357, MONDO:0013556, OMIM 614073.

Submissions (4):

Baylor Genetics
Classification: Likely pathogenic for Hermansky-Pudlak syndrome 4. Last evaluated: 2023-06-08. Review status: criteria provided, single submitter. Criteria: ACMG Guidelines, 2015. Collection method: clinical testing. Allele origin: unknown.

ISTH-SSC Genomics in Thrombosis and Hemostasis, KU Leuven, Center for Molecular and Vascular Biology
Classification: Pathogenic for Hermansky-Pudlak syndrome 4. Review status: criteria provided, single submitter. Criteria: ACMG Guidelines, 2015. Collection method: clinical testing. Allele origin: germline. Affected: yes. Observed: 1 homozygote.
Comment: Submitted to GoldVariant by Jose María Bastida and José Rivera; Grupo Español de Alteraciones Plaquetarias Congénitas (GEAPC)

Juno Genomics, Hangzhou Juno Genomics, Inc
Classification: Likely pathogenic for Hermansky-Pudlak syndrome 4. Review status: criteria provided, single submitter. Criteria: ACMG Guidelines, 2015. Collection method: clinical testing. Allele origin: germline. Affected: yes.
Comment: Absent from controls (or at extremely low frequency if recessive) in Genome Aggregation Database, Exome Sequencing Project, 1000 Genomes Project, or Exome Aggregation Consortium.;Null variant in a gene where loss of function (LOF) is a known mechanism of disease.;For recessive disorders, detected in trans with a pathogenic variant.;Patient's phenotype or family history is highly specific for a disease with a single genetic etiology.

OMIM
Classification: Pathogenic for HERMANSKY-PUDLAK SYNDROME 4. Last evaluated: 2004-06-01. Review status: no assertion criteria provided. Collection method: literature only. Allele origin: germline. Not counted in ClinVar's aggregate classification.

Literature cited by the submitters: PubMed 15108212 (cited by ISTH-SSC Genomics in Thrombosis and Hemostasis, KU Leuven, Center for Molecular and Vascular Biology and OMIM).